The following is an entry in ClinVar:

NM_014795.4(ZEB2):c.2954G>T (p.Cys985Phe)

Gene: ZEB2 (zinc finger E-box binding homeobox 2; minus strand). Cytogenetic location: 2q22.3.
Variant type: single nucleotide variant.
Coding change: c.2954G>T on transcript NM_014795.4 (MANE Select); coding-DNA position 2954, G replaced by T.
Protein change: p.Cys985Phe; replaces cysteine 985 with phenylalanine.
Molecular consequence: missense variant.
Genome position (GRCh38, 1-based): chr2:144,396,525, C>A on the plus strand (G>T on the coding strand, the complement: ZEB2 is on the minus strand). VCF-style: chr2-144396525-C-A. GRCh37 (hg19) VCF-style: chr2-145154092-C-A.
Other names: c.2882G>T, p.Cys961Phe (NM_001171653.2); short protein forms C985F, C961F.
Identifiers: ClinVar variation 2132183 (VCV002132183.4), dbSNP rs2549104836, ClinGen allele CA348704337.

ClinVar aggregate classification (germline): Uncertain significance (1 of 4 stars; one submission).

Conditions:
Mowat-Wilson syndrome (MOWS). Also called: Classic Mowat-Wilson Syndrome. Identifiers: Orphanet 2152, MedGen C1856113, MONDO:0009341, OMIM 235730.

Submission:

Labcorp Genetics (formerly Invitae), Labcorp
Classification: Uncertain significance for Mowat-Wilson syndrome. Last evaluated: 2022-04-30. Review status: criteria provided, single submitter. Criteria: Invitae Variant Classification Sherloc (09022015). Collection method: clinical testing. Allele origin: germline.
Comment: This variant has not been reported in the literature in individuals affected with ZEB2-related conditions. In summary, the available evidence is currently insufficient to determine the role of this variant in disease. Therefore, it has been classified as a Variant of Uncertain Significance. Algorithms developed to predict the effect of missense changes on protein structure and function are either unavailable or do not agree on the potential impact of this missense change (SIFT: "Deleterious"; PolyPhen-2: "Possibly Damaging"; Align-GVGD: "Class C0"). This variant is not present in population databases (gnomAD no frequency). This sequence change replaces cysteine, which is neutral and slightly polar, with phenylalanine, which is neutral and non-polar, at codon 985 of the ZEB2 protein (p.Cys985Phe).